The following is an entry in ClinVar:

NM_001199138.2(NLRC4):c.2945C>G (p.Ala982Gly)

Gene: NLRC4 (NLR family CARD domain containing 4; minus strand). Cytogenetic location: 2p22.3.
Variant type: single nucleotide variant.
Coding change: c.2945C>G on transcript NM_001199138.2 (MANE Select); coding-DNA position 2945, C replaced by G.
Protein change: p.Ala982Gly; replaces alanine 982 with glycine.
Molecular consequence: missense variant.
Genome position (GRCh38, 1-based): chr2:32,224,603, G>C on the plus strand (C>G on the coding strand, the complement: NLRC4 is on the minus strand). VCF-style: chr2-32224603-G-C. GRCh37 (hg19) VCF-style: chr2-32449672-G-C.
Other names: p.Ala982Gly; c.2945C>G, p.Ala982Gly (NM_001199139.2, NM_021209.5); c.950C>G, p.Ala317Gly (NM_001302504.2); short protein forms A982G, A317G.
Identifiers: ClinVar variation 542046 (VCV000542046.20), dbSNP rs147896952, ClinGen allele CA1601639.

ClinVar aggregate classification (germline): Likely benign. Review status: criteria provided, multiple submitters, no conflicts (2 of 4 stars). 6 submissions from 6 submitters: Likely benign (5). 1 of the submissions does not count toward it. Last evaluated 2026-01-26.

Conditions:
NLRC4-related disorder. Also called: NLRC4-related condition.
Autoinflammatory syndrome. Identifiers: Orphanet 93665, MedGen C3890737, MONDO:0019751.
Periodic fever-infantile enterocolitis-autoinflammatory syndrome. Also called: Autoinflammation with infantile enterocolitis. Identifiers: Orphanet 436166, MedGen C4015067, MONDO:0014472, OMIM 616050.
Familial cold autoinflammatory syndrome 4 (FCAS4). Identifiers: Orphanet 47045, Orphanet 576349, MedGen C4015276, MONDO:0014498, OMIM 616115.

Allele frequency attached by ClinVar (database versions not stated): 1000 Genomes Project 30x 0.00016; 1000 Genomes Project 0.00020; TOPMed 0.00108; gnomAD 0.00118; ESP Exome Variant Server 0.00185.
gnomAD v4.1: 309 of 1,613,826 alleles (0.019%); highest among the groups gnomAD compares: African/African-American, 0.35%; no homozygotes.

Submissions (6):

Women's Health and Genetics/Laboratory Corporation of America, LabCorp
Classification: Likely benign. Last evaluated: 2026-01-26. Review status: criteria provided, single submitter. Criteria: LabCorp Variant Classification Summary - May 2015. Collection method: clinical testing. Allele origin: germline.

Labcorp Genetics (formerly Invitae), Labcorp
Classification: Likely benign for Periodic fever-infantile enterocolitis-autoinflammatory syndrome; Familial cold autoinflammatory syndrome 4. Last evaluated: 2026-01-02. Review status: criteria provided, single submitter. Criteria: Invitae Variant Classification Sherloc (09022015). Collection method: clinical testing. Allele origin: germline.

Mayo Clinic Laboratories, Mayo Clinic
Classification: Likely benign. Last evaluated: 2025-02-26. Review status: criteria provided, single submitter. Criteria: ACMG Guidelines, 2015. Collection method: clinical testing. Allele origin: germline. Observed: 2 variant alleles.
Comment: BS1, BP4_moderate

Blueprint Genetics
Classification: Likely benign. Last evaluated: 2024-10-23. Review status: criteria provided, single submitter. Criteria: ACMG Guidelines, 2015. Collection method: clinical testing. Allele origin: germline.

Genome Diagnostics Laboratory, The Hospital for Sick Children
Classification: Likely benign for Autoinflammatory syndrome. Last evaluated: 2022-01-21. Review status: criteria provided, single submitter. Criteria: ACMG Guidelines, 2015. Collection method: clinical testing. Allele origin: germline. Affected: yes.

PreventionGenetics, part of Exact Sciences
Classification: Likely benign for NLRC4-related condition. Last evaluated: 2023-02-28. Review status: no assertion criteria provided. Collection method: clinical testing. Allele origin: germline. Not counted in ClinVar's aggregate classification.
Comment: This variant is classified as likely benign based on ACMG/AMP sequence variant interpretation guidelines (Richards et al. 2015 PMID: 25741868, with internal and published modifications).